The following is an entry in ClinVar:

ClinVar aggregate classification (germline): Uncertain significance (1 of 4 stars; one submission).

Submission:

CeGaT Center for Human Genetics Tuebingen
Classification: Uncertain significance. Last evaluated: 2024-03-01. Review status: criteria provided, single submitter. Criteria: CeGaT Center For Human Genetics Tuebingen Variant Classification Criteria Version 2. Collection method: clinical testing. Allele origin: germline. Affected: yes. Observed: 1 variant allele.
Comment: FBN1: PM2, PP3

NM_000138.5(FBN1):c.3311G>A (p.Gly1104Glu)

Gene: FBN1 (fibrillin 1; minus strand). Cytogenetic location: 15q21.1.
Variant type: single nucleotide variant.
Coding change: c.3311G>A on transcript NM_000138.5 (MANE Select); coding-DNA position 3311, G replaced by A.
Protein change: p.Gly1104Glu; replaces glycine 1104 with glutamic acid.
Molecular consequence: missense variant.
Genome position (GRCh38, 1-based): chr15:48,488,139, C>T on the plus strand (G>A on the coding strand, the complement: FBN1 is on the minus strand). VCF-style: chr15-48488139-C-T. GRCh37 (hg19) VCF-style: chr15-48780336-C-T.
Other names: c.3311G>A, p.Gly1104Glu (NM_001406716.1); short protein forms G1104E.
Identifiers: ClinVar variation 3067642 (VCV003067642.21), dbSNP rs2505552463, ClinGen allele CA392327093.